The following is an entry in ClinVar:

ClinVar aggregate classification (germline): Uncertain significance (1 of 4 stars; one submission).

Submission:

CeGaT Center for Human Genetics Tuebingen
Classification: Uncertain significance. Last evaluated: 2025-10-01. Review status: criteria provided, single submitter. Criteria: CeGaT Center For Human Genetics Tuebingen Variant Classification Criteria Version 2. Collection method: clinical testing. Allele origin: germline. Affected: yes. Observed: 1 variant allele.
Comment: ALPK1: PM2

NM_025144.4(ALPK1):c.3535C>T (p.Gln1179Ter)

Gene: ALPK1 (alpha kinase 1; plus strand). Cytogenetic location: 4q25.
Variant type: single nucleotide variant.
Coding change: c.3535C>T on transcript NM_025144.4 (MANE Select); coding-DNA position 3535, C replaced by T.
Protein change: p.Gln1179Ter; replaces glutamine 1179 with a stop codon.
Molecular consequence: nonsense.
Genome position (GRCh38, 1-based): chr4:112,439,869, C>T. VCF-style: chr4-112439869-C-T. GRCh37 (hg19) VCF-style: chr4-113361025-C-T.
Other names: c.3535C>T, p.Gln1179Ter (NM_001102406.2); c.3301C>T, p.Gln1101Ter (NM_001253884.2); short protein forms Q1101*, Q1179*.
Identifiers: ClinVar variation 4535230 (VCV004535230.6).
Genomic context (GRCh38, chr4:112,439,869, plus strand): 5'-TTGGCCTATGGCCATTTTTCTTATGAGTTTTCTAATCATAGAGATGTTGTGGTCGATTTA[C>T]AAGGTATGTGAAACTGGGAATTATTTTTATTTTTAATATTATATGTAAATGTGAAGTTTT-3'